The following is an entry in ClinVar:

NM_020686.6(ABAT):c.58C>G (p.Leu20Val)

Gene: ABAT (4-aminobutyrate aminotransferase; plus strand). Cytogenetic location: 16p13.2.
Variant type: single nucleotide variant.
Coding change: c.58C>G on transcript NM_020686.6 (MANE Select); coding-DNA position 58, C replaced by G.
Protein change: p.Leu20Val; replaces leucine 20 with valine.
Molecular consequence: missense variant. On other transcripts: intron variant (3).
Genome position (GRCh38, 1-based): chr16:8,735,797, C>G. VCF-style: chr16-8735797-C-G. GRCh37 (hg19) VCF-style: chr16-8829654-C-G.
Other names: c.58C>G, p.Leu20Val (NM_000663.5, NM_001127448.2, NM_001386600.1 and 13 more transcripts); c.-65-10204C>G (NM_001386611.1, NM_001386612.1, NM_001386613.1); short protein forms L20V.
Identifiers: ClinVar variation 856565 (VCV000856565.10), dbSNP rs747283357, ClinGen allele CA7892922.

ClinVar aggregate classification (germline): Uncertain significance (1 of 4 stars; one submission).

Conditions:
Gamma-aminobutyric acid transaminase deficiency (GABATD). Also called: GABA aminotransaminase deficiency; GABA transaminase deficiency; Gamma aminobutyrate transaminase deficiency; 4 alpha aminobutyrate transaminase deficiency. Identifiers: Orphanet 2066, MedGen C0342708, MONDO:0013166, OMIM 613163.

Allele frequency attached by ClinVar (database versions not stated): gnomAD 0.00001; ExAC 0.00002.
gnomAD v4.1: 15 of 1,604,354 alleles (0.00093%); highest among the groups gnomAD compares: Non-Finnish European, 0.0013%; no homozygotes.

Submission:

Labcorp Genetics (formerly Invitae), Labcorp
Classification: Uncertain significance for Gamma-aminobutyric acid transaminase deficiency. Last evaluated: 2022-05-02. Review status: criteria provided, single submitter. Criteria: Invitae Variant Classification Sherloc (09022015). Collection method: clinical testing. Allele origin: germline.
Comment: In summary, the available evidence is currently insufficient to determine the role of this variant in disease. Therefore, it has been classified as a Variant of Uncertain Significance. Algorithms developed to predict the effect of missense changes on protein structure and function (SIFT, PolyPhen-2, Align-GVGD) all suggest that this variant is likely to be tolerated. ClinVar contains an entry for this variant (Variation ID: 856565). This variant has not been reported in the literature in individuals affected with ABAT-related conditions. The frequency data for this variant in the population databases is considered unreliable, as metrics indicate poor data quality at this position in the gnomAD database. This sequence change replaces leucine, which is neutral and non-polar, with valine, which is neutral and non-polar, at codon 20 of the ABAT protein (p.Leu20Val).